The following is an entry in ClinVar:

NM_000179.3(MSH6):c.1844G>T (p.Cys615Phe)

Gene: MSH6 (mutS homolog 6; plus strand). Cytogenetic location: 2p16.3.
Variant type: single nucleotide variant.
Coding change: c.1844G>T on transcript NM_000179.3 (MANE Select); coding-DNA position 1844, G replaced by T.
Protein change: p.Cys615Phe; replaces cysteine 615 with phenylalanine.
Molecular consequence: missense variant.
Genome position (GRCh38, 1-based): chr2:47,799,827, G>T. VCF-style: chr2-47799827-G-T. GRCh37 (hg19) VCF-style: chr2-48026966-G-T.
Other names: c.1454G>T, p.Cys485Phe (NM_001281492.2); c.938G>T, p.Cys313Phe (NM_001281493.2, NM_001281494.2); short protein forms C615F, C313F, C485F.
Identifiers: ClinVar variation 186038 (VCV000186038.37), dbSNP rs730881793, ClinGen allele CA009321.

ClinVar aggregate classification (germline): Conflicting classifications of pathogenicity. Review status: criteria provided, conflicting classifications (1 of 4 stars). 13 submissions from 13 submitters: Uncertain significance (9); Benign (1); Likely benign (2). 1 of the submissions does not count toward it. Last evaluated 2026-01-31.

Conditions:
Hereditary nonpolyposis colorectal neoplasms. Identifiers: MedGen C0009405, MeSH D003123.
Hereditary cancer-predisposing syndrome. Also called: Hereditary neoplastic syndrome; Neoplastic Syndromes, Hereditary; Tumor predisposition; Hereditary Cancer Syndrome. Identifiers: Orphanet 140162, MedGen C0027672, MeSH D009386, MONDO:0015356.
Lynch syndrome. Identifiers: Orphanet 144, MedGen C4552100, MONDO:0005835. Disease mechanism: loss of function.
Lynch syndrome 5 (LYNCH5). Also called: Hereditary non-polyposis colorectal cancer, type 5; Colorectal cancer, hereditary nonpolyposis, type 5. Identifiers: Orphanet 144, MedGen C1833477, MONDO:0013710, OMIM 614350. Disease mechanism: loss of function.
Endometrial carcinoma. Also called: Endometrial carcinoma, somatic. Identifiers: MedGen C0476089, MONDO:0002447, OMIM 608089, HP:0012114.

gnomAD v4.1: 10 of 1,614,058 alleles (0.00062%); highest among the groups gnomAD compares: Middle Eastern, 0.066%; no homozygotes.

Submissions (13):

Labcorp Genetics (formerly Invitae), Labcorp
Classification: Benign for Hereditary nonpolyposis colorectal neoplasms. Last evaluated: 2026-01-31. Review status: criteria provided, single submitter. Criteria: Invitae Variant Classification Sherloc (09022015). Collection method: clinical testing. Allele origin: germline.

Quest Diagnostics Nichols Institute San Juan Capistrano
Classification: Uncertain significance. Last evaluated: 2025-06-04. Review status: criteria provided, single submitter. Criteria: Quest Diagnostics criteria. Collection method: clinical testing. Allele origin: unknown.
Comment: The MSH6 c.1844G>T (p.Cys615Phe) variant has been reported in the published literature in individuals affected with colorectal cancer (PMID: 28135145 (2017)), breast cancer (PMID: 37306523 (2023)), and renal cancer (PMID: 38127826 (2023)). The frequency of this variant in the general population (Genome Aggregation Database) is uninformative in the assessment of its pathogenicity. Analysis of this variant using bioinformatics tools for the prediction of the effect of amino acid changes on protein structure and function yielded predictions that this variant is benign. Based on the available information, we are unable to determine the clinical significance of this variant.

Myriad Genetics, Inc.
Classification: Likely benign for Lynch syndrome 5. Last evaluated: 2024-12-27. Review status: criteria provided, single submitter. Criteria: Myriad Autosomal Dominant, Autosomal Recessive and X-Linked Classification Criteria (2023). Collection method: clinical testing. Allele origin: unknown.
Comment: This variant is considered likely benign. This variant is strongly associated with less severe personal and family histories of cancer, typical for individuals without pathogenic variants in this gene [PMID: 27363726].

Color Diagnostics, LLC DBA Color Health
Classification: Uncertain significance for Hereditary cancer-predisposing syndrome. Last evaluated: 2024-07-26. Review status: criteria provided, single submitter. Criteria: ACMG Guidelines, 2015. Collection method: clinical testing. Allele origin: germline.
Comment: This missense variant replaces cysteine with phenylalanine at codon 615 of the MSH6 protein. Computational prediction suggests that this variant may not impact protein structure and function (internally defined REVEL score threshold <= 0.5, PMID: 27666373). To our knowledge, functional studies have not been reported for this variant. This variant has been reported in two individuals affected with colorectal cancer (PMID: 28135145) and in an individual affected with an unspecified advanced cancer (PMID: 28873162). This variant has been identified in 2/31400 chromosomes in the general population by the Genome Aggregation Database (gnomAD). The available evidence is insufficient to determine the role of this variant in disease conclusively. Therefore, this variant is classified as a Variant of Uncertain Significance.

Revvity Omics, Revvity
Classification: Uncertain significance. Last evaluated: 2024-05-31. Review status: criteria provided, single submitter. Criteria: ACMG Guidelines, 2015. Collection method: clinical testing. Allele origin: germline.

All of Us Research Program, National Institutes of Health
Classification: Uncertain significance for Lynch syndrome. Last evaluated: 2024-05-09. Review status: criteria provided, single submitter. Criteria: ACMG Guidelines, 2015. Collection method: clinical testing. Allele origin: germline. Inheritance: Autosomal dominant inheritance. Observed: 9 variant alleles, 9 heterozygotes.
Comment: This missense variant replaces cysteine with phenylalanine at codon 615 of the MSH6 protein. Computational prediction suggests that this variant may not impact protein structure and function (internally defined REVEL score threshold <= 0.5, PMID: 27666373). To our knowledge, functional studies have not been reported for this variant. This variant has been reported in two individuals affected with colorectal cancer (PMID: 28135145) and in an individual affected with an unspecified advanced cancer (PMID: 28873162). This variant has been identified in 2/31400 chromosomes in the general population by the Genome Aggregation Database (gnomAD). The available evidence is insufficient to determine the role of this variant in disease conclusively. Therefore, this variant is classified as a Variant of Uncertain Significance.

This study involves interpretation of variants in research participants for the purpose of population health screening. Participant phenotype was not available at the time of variant classification. Additional details can be found in publication PMID: 35346344, PMCID: PMC8962531

Molecular Pathology, Peter Maccallum Cancer Centre
Classification: Uncertain significance for Lynch syndrome 5. Last evaluated: 2024-05-07. Review status: criteria provided, single submitter. Criteria: ACMG Guidelines, 2015. Collection method: clinical testing. Allele origin: germline. Inheritance: Autosomal dominant inheritance.

Baylor Genetics
Classification: Uncertain significance for Endometrial carcinoma. Last evaluated: 2024-03-06. Review status: criteria provided, single submitter. Criteria: ACMG Guidelines, 2015. Collection method: clinical testing. Allele origin: unknown.

GeneDx
Classification: Uncertain significance. Last evaluated: 2023-11-21. Review status: criteria provided, single submitter. Criteria: GeneDx Variant Classification Process June 2021. Collection method: clinical testing. Allele origin: germline. Affected: yes.
Comment: In silico analysis supports that this missense variant does not alter protein structure/function; Observed in individuals with colorectal cancer or other advanced cancer (PMID: 28873162, 28135145); This variant is associated with the following publications: (PMID: 28873162, 28002797, 28135145, 17531815, 21120944)

Women's Health and Genetics/Laboratory Corporation of America, LabCorp
Classification: Uncertain significance. Last evaluated: 2023-11-08. Review status: criteria provided, single submitter. Criteria: LabCorp Variant Classification Summary - May 2015. Collection method: clinical testing. Allele origin: germline.
Comment: Variant summary: MSH6 c.1844G>T (p.Cys615Phe) results in a non-conservative amino acid change located in the DNA mismatch repair protein MutS, connector domain (IPR007860) of the encoded protein sequence. Four of five in-silico tools predict a benign effect of the variant on protein function. The variant was absent in 250636 control chromosomes. The available data on variant occurrences in the general population are insufficient to allow any conclusion about variant significance. c.1844G>T has been reported in the literature in individuals affected with Colorectal Cancer without strong evidence of causality (e.g., Yurgelun_2017). This report does not provide unequivocal conclusions about association of the variant with Lynch Syndrome. To our knowledge, no experimental evidence demonstrating an impact on protein function has been reported. The following publication was ascertained in the context of this evaluation (PMID: 28135145). Seven submitters have cited clinical-significance assessments for this variant to ClinVar after 2014. Multiple submitters reported the variant with conflicting assessments (VUS, n = 5; likely benign, n = 1; benign, n = 1). Based on the evidence outlined above, the variant was classified as uncertain significance.

Ambry Genetics
Classification: Likely benign for Hereditary cancer-predisposing syndrome. Last evaluated: 2023-06-15. Review status: criteria provided, single submitter. Criteria: Ambry Variant Classification Scheme 2023. Collection method: clinical testing. Allele origin: germline.

Sema4
Classification: Uncertain significance for Hereditary cancer-predisposing syndrome. Last evaluated: 2021-12-15. Review status: criteria provided, single submitter. Criteria: Sema4 Curation Guidelines. Collection method: curation. Allele origin: germline.
Comment: The MSH6 c.1844G>T (p.C615F) variant has been reported in at least two individuals with colorectal cancer (PMID: 28135145) and in an individual with advanced cancer (PMID: 28873162). It was observed in 2/8712 chromosomes of the African/African American subpopulation in the large and broad cohorts of the Genome Aggregation Database (PMID: 32461654). The variant has been reported in ClinVar (Variation ID 186038). Functional studies have not been performed, and in silico predictions of the variant's effect on protein function are inconclusive. The evidence is insufficient to meet ACMG/AMP criteria for classifying the variant as benign or pathogenic. Thus, the clinical significance of this variant is currently uncertain.

Genetic Services Laboratory, University of Chicago
Classification: Uncertain significance. Last evaluated: 2022-06-13. Review status: no assertion criteria provided. Collection method: clinical testing. Allele origin: germline. Affected: no. Not counted in ClinVar's aggregate classification.
Comment: DNA sequence analysis of the MSH6 gene demonstrated a sequence change, c.1844G>T, in exon 4 that results in an amino acid change, p.Cys615Phe. This sequence change has been identified in two individuals with colorectal cancer (PMID: 28135145). This sequence change has been described in the gnomAD database with a frequency of 0.0064% in the overall population (dbSNP rs730881793). The p.Cys615Phe change affects a poorly conserved amino acid residue located in a domain of the MSH6 protein that is known to be functional. The p.Cys615Phe substitution appears to be benign using several in-silico pathogenicity prediction tools (SIFT, PolyPhen2, Align GVGD, REVEL). Due to insufficient evidences and the lack of functional studies, the clinical significance of the p.Cys615Phe change remains unknown at this time. Heterozygous pathogenic variants in MSH6 are associated with Lynch syndrome [OMIM# 614350], which is associated with an increased risk of certain cancers, particularly colon and endometrial cancers. Hematological malignancies have been reported in some cases of Lynch syndrome however the exact risk is not well defined (PMID: 23730225). Homozygous or compound heterozygous pathogenic variants in MSH6 lead to a mismatch repair deficiency which is a rare childhood cancer predisposition syndrome with 4 main tumor types: hematologic malignancies, brain/central nervous system tumors, colorectal tumors and multiple intestinal polyps, and other malignancies including embryonic tumors and rhabdomyosarcoma [OMIM# 276300] (PMIDs: 19493351).

Literature cited by the submitters: PubMed 37306523 (cited by Quest Diagnostics Nichols Institute San Juan Capistrano); PubMed 38127826 (cited by Quest Diagnostics Nichols Institute San Juan Capistrano); PubMed 39253604 (cited by Quest Diagnostics Nichols Institute San Juan Capistrano); PubMed 28002797 (cited by Quest Diagnostics Nichols Institute San Juan Capistrano); PubMed 28135145 (cited by 6 submitters); PubMed 28873162 (cited by 4 submitters); PubMed 27363726 (cited by Myriad Genetics, Inc.).